The following is an entry in ClinVar:

NM_006904.7(PRKDC):c.152T>G (p.Leu51Arg)

Genes: PRKDC (protein kinase, DNA-activated, catalytic subunit; minus strand), LOC130000337 (ATAC-STARR-seq lymphoblastoid silent region 19176; plus strand). Cytogenetic location: 8q11.21.
Variant type: single nucleotide variant.
Coding change: c.152T>G on transcript NM_006904.7 (MANE Select); coding-DNA position 152, T replaced by G.
Protein change: p.Leu51Arg; replaces leucine 51 with arginine.
Molecular consequence: missense variant.
Genome position (GRCh38, 1-based): chr8:47,959,975, A>C on the plus strand (T>G on the coding strand, the complement: PRKDC is on the minus strand). VCF-style: chr8-47959975-A-C. GRCh37 (hg19) VCF-style: chr8-48872535-A-C.
Other names: c.152T>G, p.Leu51Arg (NM_001081640.2); short protein forms L51R.
Identifiers: ClinVar variation 1774601 (VCV001774601.2), dbSNP rs1468283360, ClinGen allele CA371142574.
Genomic context (GRCh38, chr8:47,959,975, plus strand): 5'-TCCAGAACGACTCGGGAAGCCAGGACCCACCCGCGGCCCAGCTCGGGCCGGTACCCACCC[A>C]GCACCGCGGGGCTGCTGCTCAGGACGCATTCCTGCCCCAGGCCGCGGATCAGTTGATGAC-3'
Protein context (NP_008835.5, residues 41-61): ECVLSSSPAV[Leu51Arg]ALQTSLVFSR

ClinVar aggregate classification (germline): Uncertain significance (1 of 4 stars; one submission).

Submission:

Ambry Genetics
Classification: Uncertain significance. Last evaluated: 2021-12-10. Review status: criteria provided, single submitter. Criteria: Ambry Variant Classification Scheme 2023. Collection method: clinical testing. Allele origin: germline.
Comment: The p.L51R variant (also known as c.152T>G), located in coding exon 1 of the PRKDC gene, results from a T to G substitution at nucleotide position 152. The leucine at codon 51 is replaced by arginine, an amino acid with dissimilar properties. This amino acid position is conserved. In addition, the in silico prediction for this alteration is inconclusive. Since supporting evidence is limited at this time, the clinical significance of this alteration remains unclear.